The following is an entry in ClinVar:

ClinVar aggregate classification (germline): Conflicting classifications of pathogenicity. Review status: criteria provided, conflicting classifications (1 of 4 stars). 4 submissions from 4 submitters: Uncertain significance (1); Benign (1); Likely benign (1). 1 of the submissions does not count toward it. Last evaluated 2025-11-28.

Conditions:
Short-rib thoracic dysplasia 10 with or without polydactyly (SRTD10). Identifiers: Orphanet 474, MedGen C3810175, MONDO:0014284, OMIM 615630.
Retinitis pigmentosa 71 (RP71). Identifiers: Orphanet 791, MedGen C4225342, MONDO:0014618, OMIM 616394.
IFT172-related disorder. Also called: IFT172-related disorders; IFT172-related condition.

Allele frequency attached by ClinVar (database versions not stated): gnomAD exomes 0.00007 and 0.00019; ExAC 0.00012; TOPMed 0.00013; gnomAD 0.00015 and 0.00016.
gnomAD v4.1: 144 of 1,614,024 alleles (0.0089%); highest among the groups gnomAD compares: Middle Eastern, 0.016%; no homozygotes.

Submissions (4):

Labcorp Genetics (formerly Invitae), Labcorp
Classification: Likely benign for Retinitis pigmentosa 71; Short-rib thoracic dysplasia 10 with or without polydactyly. Last evaluated: 2025-11-28. Review status: criteria provided, single submitter. Criteria: Invitae Variant Classification Sherloc (09022015). Collection method: clinical testing. Allele origin: germline.

GeneDx
Classification: Uncertain significance. Last evaluated: 2025-05-22. Review status: criteria provided, single submitter. Criteria: GeneDx Variant Classification Process June 2021. Collection method: clinical testing. Allele origin: germline. Affected: yes.
Comment: In silico analysis supports that this missense variant has a deleterious effect on protein structure/function; This variant is associated with the following publications: (PMID: 31308072)

Blueprint Genetics
Classification: Benign. Last evaluated: 2024-09-30. Review status: criteria provided, single submitter. Criteria: ACMG Guidelines, 2015. Collection method: clinical testing. Allele origin: germline.

PreventionGenetics, part of Exact Sciences
Classification: Likely benign for IFT172-related condition. Last evaluated: 2022-05-16. Review status: no assertion criteria provided. Collection method: clinical testing. Allele origin: germline. Not counted in ClinVar's aggregate classification.
Comment: This variant is classified as likely benign based on ACMG/AMP sequence variant interpretation guidelines (Richards et al. 2015 PMID: 25741868, with internal and published modifications).

NM_015662.3(IFT172):c.98T>C (p.Val33Ala)

Gene: IFT172 (intraflagellar transport 172; minus strand). Cytogenetic location: 2p23.3.
Variant type: single nucleotide variant.
Coding change: c.98T>C on transcript NM_015662.3 (MANE Select); coding-DNA position 98, T replaced by C.
Protein change: p.Val33Ala; replaces valine 33 with alanine.
Molecular consequence: missense variant.
Genome position (GRCh38, 1-based): chr2:27,485,445, A>G on the plus strand (T>C on the coding strand, the complement: IFT172 is on the minus strand). VCF-style: chr2-27485445-A-G. GRCh37 (hg19) VCF-style: chr2-27708312-A-G.
Other names: short protein forms V33A.
Identifiers: ClinVar variation 719920 (VCV000719920.13), dbSNP rs200884031, ClinGen allele CA1581121.